The following is an entry in ClinVar:

ClinVar aggregate classification (germline): Uncertain significance (1 of 4 stars; one submission).

gnomAD v4.1: 14 of 1,614,044 alleles (0.00087%); highest among the groups gnomAD compares: Middle Eastern, 0.016%; no homozygotes.

Submission:

Women's Health and Genetics/Laboratory Corporation of America, LabCorp
Classification: Uncertain significance. Last evaluated: 2026-03-12. Review status: criteria provided, single submitter. Criteria: LabCorp Variant Classification Summary - May 2015. Collection method: clinical testing. Allele origin: germline.
Comment: Variant summary: NME1 c.156C>G (p.Tyr52X) results in a premature termination codon, predicted to cause a truncation of the encoded protein or absence of the protein due to nonsense mediated decay, however current evidence is not sufficient to establish loss of function as a mechanism for disease. The variant allele was found at a frequency of 8e-06 in 249058 control chromosomes. The available data on variant occurrences in the general population are insufficient to allow any conclusion about variant significance. To our knowledge, no occurrence of c.156C>G in individuals affected with NME1-related conditions and no experimental evidence demonstrating its impact on protein function have been reported. No submitters have cited clinical-significance assessments for this variant to ClinVar. Based on the evidence outlined above, the variant was classified as uncertain significance.

NM_000269.3(NME1):c.156C>G (p.Tyr52Ter)

Genes: NME1 (NME/NM23 nucleoside diphosphate kinase 1; plus strand), NME1-NME2 (NME1-NME2 readthrough; plus strand). Cytogenetic location: 17q21.33.
Variant type: single nucleotide variant.
Coding change: c.156C>G on transcript NM_000269.3 (MANE Select); coding-DNA position 156, C replaced by G.
Protein change: p.Tyr52Ter; replaces tyrosine 52 with a stop codon.
Molecular consequence: nonsense. On other transcripts: non-coding transcript variant (1).
Genome position (GRCh38, 1-based): chr17:51,160,009, C>G. VCF-style: chr17-51160009-C-G. GRCh37 (hg19) VCF-style: chr17-49237370-C-G.
Other names: c.231C>G, p.Tyr77Ter (NM_198175.1); c.156C>G, p.Tyr52Ter (NM_001018136.3); short protein forms Y52*, Y77*.
Identifiers: ClinVar variation 4847276 (VCV004847276.1).